The following is an entry in ClinVar:

ClinVar aggregate classification (germline): Pathogenic/Likely pathogenic. Review status: criteria provided, multiple submitters, no conflicts (2 of 4 stars). 8 submissions from 8 submitters: Pathogenic (5); Likely pathogenic (3). Last evaluated 2026-04-09.

Conditions:
Dilated cardiomyopathy 1G (CMD1G). Identifiers: Orphanet 154, MedGen C1858763, MONDO:0011400, OMIM 604145.
Autosomal recessive limb-girdle muscular dystrophy type 2J (LGMDR10). Also called: MUSCULAR DYSTROPHY, LIMB-GIRDLE, AUTOSOMAL RECESSIVE 10; Limb-girdle muscular dystrophy, type 2J. Identifiers: Orphanet 140922, MedGen C1837342, MONDO:0012127, OMIM 608807.
TTN-related disorder. Also called: TTN-related disorders; TTN-related condition; TTN-related disease.
Cardiovascular phenotype. Identifiers: MedGen CN230736.
Tibial muscular dystrophy (TMD). Also called: Udd Distal Myopathy – Tibial Muscular Dystrophy; Tibial muscular dystrophy, tardive; UDD MYOPATHY. Identifiers: Orphanet 609, MedGen C1838244, MONDO:0010870, OMIM 600334.
Myopathy, myofibrillar, 9, with early respiratory failure (MFM9). Also called: Hereditary myopathy with early respiratory failure; EDSTROM MYOPATHY; Myopathy, distal, with early respiratory failure, autosomal dominant; MYOPATHY, PROXIMAL, WITH EARLY RESPIRATORY MUSCLE INVOLVEMENT. Identifiers: Orphanet 178464, Orphanet 34521, MedGen C1863599, MONDO:0011362, OMIM 603689.
Early-onset myopathy with fatal cardiomyopathy (CMYO5). Also called: CONGENITAL MYOPATHY 5 WITH CARDIOMYOPATHY; Salih Myopathy. Identifiers: Orphanet 289377, MedGen C2673677, MONDO:0012714, OMIM 611705. Disease mechanism: loss of function.
Hypertrophic cardiomyopathy 9. Also called: Familial hypertrophic cardiomyopathy 9. Identifiers: MedGen C1861065, MONDO:0013412, OMIM 613765.

Allele frequency attached by ClinVar (database versions not stated): gnomAD 0.00001; gnomAD exomes below 0.00001; TOPMed 0.00001.
gnomAD v4.1: 2 of 1,613,424 alleles (0.00012%); highest among the groups gnomAD compares: Non-Finnish European, 0.00017%; no homozygotes.

Submissions (8):

PreventionGenetics, part of Exact Sciences
Classification: Pathogenic for TTN-related condition. Last evaluated: 2026-04-09. Review status: criteria provided, single submitter. Criteria: ACMG Guidelines, 2015. Collection method: clinical testing. Allele origin: germline.
Comment: The TTN c.78178G>T variant is predicted to result in premature protein termination (p.Glu26060*). This variant has been documented in an individual with early-onset atrial fibrillation (eTable 5 in Choi et al. 2018. PubMed ID: 30535219). This variant is reported in 0.0065% of alleles in individuals of European (Non-Finnish) descent in gnomAD. This variant is located in the A-band region of the protein in which truncating TTN variants have been found more frequently in dilated cardiomyopathy patients than in controls (Herman et al. 2012. PubMed ID: 22335739). RNAseq studies from heart tissue indicate this exon is commonly included in TTN mRNA transcripts (PSI of 95%-100%, Roberts et al. 2015. PubMed ID: 25589632). TTN loss-of-function variants occurring in constitutively expressed exons (PSI > 90%) are more likely to be disease causing for TTN cardiac-related disorders regardless of band location (Roberts et al. 2015. PubMed ID: 25589632; Schafer et al. 2017. PubMed ID: 27869827; Akhtar et al. 2020. PubMed ID: 32964742). Many cases of recessive TTN-related myopathies in which the individual is compound heterozygous for two loss-of-function variants in TTN have also been reported (Ge et al. 2019. PubMed ID: 31053406; Oates et al. 2018. PubMed ID: 29691892; Rees et al. 2021. PubMed ID: 33449170). In summary, this variant is categorized as pathogenic. Of note, this variant is considered pathogenic for increased risk of TTN-related cardiac disorders, and also for autosomal recessive TTN-related congenital titinopathies. ​

GeneDx
Classification: Pathogenic. Last evaluated: 2025-09-02. Review status: criteria provided, single submitter. Criteria: GeneDx Variant Classification Process June 2021. Collection method: clinical testing. Allele origin: germline. Affected: yes.
Comment: Reported in association with early-onset atrial fibrillation, described as p.Glu26060* due to use of alternate nomenclature (PMID: 30535219); Not observed at significant frequency in large population cohorts (gnomAD); Nonsense variant predicted to result in protein truncation or nonsense mediated decay in a gene for which loss of function is a known mechanism of disease; Located in the A-band, a region of TTN for which truncating variants are significantly associated with autosomal dominant cardiomyopathy and also with autosomal recessive skeletal myopathies (PMID: 22335739, 32778822); This variant is associated with the following publications: (PMID: 22335739, 32778822, 38438525, 34495297, 30535219)

Variantyx, Inc.
Classification: Pathogenic for Dilated cardiomyopathy 1G. Last evaluated: 2025-06-30. Review status: criteria provided, single submitter. Criteria: Variantyx Assertion Criteria 2022. Collection method: clinical testing. Allele origin: germline. Inheritance: Autosomal dominant inheritance. Affected: yes.
Comment: This is a nonsense variant in the TTN gene (OMIM: 188840). Pathogenic variants in this gene have been associated with autosomal dominant dilated cardiomyopathy 1G. This variant introduces a premature termination codon in exon 326 out of 363, and resides in the A-band region of titinand is expected to result in loss of function, which is a known disease mechanism for TTN in this disorder (PVS1). This variant has been reported in at least 2 affected individuals (PMID: 30535219, 34495297) (PS4). It has a 0.0005% maximum allele frequency in non-founder control populations (PM2). Based on the current evidence, this variant is classified as pathogenic for autosomal dominant dilated cardiomyopathy 1G.

Labcorp Genetics (formerly Invitae), Labcorp
Classification: Pathogenic for Dilated cardiomyopathy 1G; Autosomal recessive limb-girdle muscular dystrophy type 2J. Last evaluated: 2025-04-10. Review status: criteria provided, single submitter. Criteria: Invitae Variant Classification Sherloc (09022015). Collection method: clinical testing. Allele origin: germline.
Comment: This sequence change creates a premature translational stop signal (p.Glu26060*) in the TTN gene. While this is not anticipated to result in nonsense mediated decay, it is expected to create a truncated TTN protein. This variant is present in population databases (rs794729289, gnomAD 0.007%). This premature translational stop signal has been observed in individuals with dilated cardiomyopathy and/or early-onset atrial fibrillation (PMID: 30535219, 34495297; internal data). ClinVar contains an entry for this variant (Variation ID: 202409). This variant is located in the A band of TTN (PMID: 25589632). Truncating variants in this region are significantly overrepresented in patients affected with dilated cardiomyopathy (PMID: 25589632). Truncating variants in this region have also been reported in individuals affected with autosomal recessive centronuclear myopathy (PMID: 23975875). For these reasons, this variant has been classified as Pathogenic.

Ambry Genetics
Classification: Likely pathogenic for Cardiovascular phenotype. Last evaluated: 2022-11-17. Review status: criteria provided, single submitter. Criteria: Ambry Variant Classification Scheme 2023. Collection method: clinical testing. Allele origin: germline.
Comment: The p.E16995* variant (also known as c.50983G>T), located in coding exon 153 of the TTN gene, results from a G to T substitution at nucleotide position 50983. This changes the amino acid from a glutamic acid to a stop codon within coding exon 153. This exon is located in the A-band region of the N2-B isoform of the titin protein and is constitutively expressed in TTN transcripts (percent spliced in or PSI 100%). This variant has been detected in an early onset atrial fibrillation cohort (Choi SH et al. JAMA, 2018 12;320:2354-2364). This variant is considered to be rare based on population cohorts in the Genome Aggregation Database (gnomAD). This alteration is expected to result in loss of function by premature protein truncation or nonsense-mediated mRNA decay. While truncating variants in TTN are present in 1-3% of the general population, truncating variants in the A-band are the most common cause of dilated cardiomyopathy (DCM) (Herman DS et al. N. Engl. J. Med., 2012 Feb;366:619-28; Roberts AM et al. Sci Transl Med, 2015 Jan;7:270ra6). TTN truncating variants encoded in constitutive exons (PSI >90%) have been found to be significantly associated with DCM regardless of their position in titin (Schafer S et al. Nat. Genet., 2017 01;49:46-53). Based on the majority of available evidence to date, this variant is likely to be pathogenic.

AiLife Diagnostics
Classification: Pathogenic. Last evaluated: 2022-01-27. Review status: criteria provided, single submitter. Criteria: ACMG Guidelines, 2015. Collection method: clinical testing. Allele origin: germline. Affected: yes. Observed: 1 variant allele.

Fulgent Genetics
Classification: Likely pathogenic for Tibial muscular dystrophy; Myopathy, myofibrillar, 9, with early respiratory failure; Dilated cardiomyopathy 1G; Autosomal recessive limb-girdle muscular dystrophy type 2J; Early-onset myopathy with fatal cardiomyopathy; Hypertrophic cardiomyopathy 9. Last evaluated: 2021-08-30. Review status: criteria provided, single submitter. Criteria: ACMG Guidelines, 2015. Collection method: clinical testing. Allele origin: unknown.

Eurofins Ntd Llc (ga)
Classification: Likely pathogenic. Last evaluated: 2016-09-14. Review status: criteria provided, single submitter. Criteria: EGL Classification Definitions 2015. Collection method: clinical testing. Allele origin: germline. Observed: 1 variant allele, 1 heterozygote.

Literature cited by the submitters: PubMed 30535219 (cited by 4 submitters); PubMed 34495297 (cited by Variantyx, Inc. and Labcorp Genetics (formerly Invitae), Labcorp); PubMed 25589632 (cited by Labcorp Genetics (formerly Invitae), Labcorp); PubMed 23975875 (cited by Labcorp Genetics (formerly Invitae), Labcorp).

NM_001267550.2(TTN):c.78178G>T (p.Glu26060Ter)

Genes: TTN (titin; minus strand), TTN-AS1 (TTN antisense RNA 1; plus strand). Cytogenetic location: 2q31.2.
Variant type: single nucleotide variant.
Coding change: c.78178G>T on transcript NM_001267550.2 (MANE Select); coding-DNA position 78178, G replaced by T.
Protein change: p.Glu26060Ter; replaces glutamic acid 26060 with a stop codon.
Molecular consequence: nonsense.
Genome position (GRCh38, 1-based): chr2:178,567,954, C>A on the plus strand (G>T on the coding strand, the complement: TTN is on the minus strand). VCF-style: chr2-178567954-C-A. GRCh37 (hg19) VCF-style: chr2-179432681-C-A.
Other names: p.E24419*:GAA>TAA; c.51358G>T, p.Glu17120Ter (NM_133432.3); c.51559G>T, p.Glu17187Ter (NM_133437.4); c.73255G>T, p.Glu24419Ter (NM_001256850.1); c.50983G>T, p.Glu16995Ter (NM_003319.4); c.70474G>T, p.Glu23492Ter (NM_133378.4); short protein forms E24419*, E26060*, E23492*, E16995*, E17120*, E17187*.
Identifiers: ClinVar variation 202409 (VCV000202409.62), dbSNP rs794729289, ClinGen allele CA309324.